The following is an entry in ClinVar:

NM_004656.4(BAP1):c.775C>G (p.Leu259Val)

Gene: BAP1 (BRCA1 associated deubiquitinase 1; minus strand). Cytogenetic location: 3p21.1.
Variant type: single nucleotide variant.
Coding change: c.775C>G on transcript NM_004656.4 (MANE Select); coding-DNA position 775, C replaced by G.
Protein change: p.Leu259Val; replaces leucine 259 with valine.
Molecular consequence: missense variant.
Genome position (GRCh38, 1-based): chr3:52,406,261, G>C on the plus strand (C>G on the coding strand, the complement: BAP1 is on the minus strand). VCF-style: chr3-52406261-G-C. GRCh37 (hg19) VCF-style: chr3-52440277-G-C.
Other names: short protein forms L259V.
Identifiers: ClinVar variation 628342 (VCV000628342.16), dbSNP rs1559589659, ClinGen allele CA353107044.

ClinVar aggregate classification (germline): Uncertain significance. Review status: criteria provided, multiple submitters, no conflicts (2 of 4 stars). 4 submissions from 4 submitters: Uncertain significance (4). Last evaluated 2025-11-10.

Conditions:
Hereditary cancer-predisposing syndrome. Also called: Neoplastic Syndromes, Hereditary; Tumor predisposition; Hereditary neoplastic syndrome; Hereditary Cancer Syndrome. Identifiers: Orphanet 140162, MedGen C0027672, MeSH D009386, MONDO:0015356.
BAP1-related tumor predisposition syndrome (TPDS1). Also called: Tumor susceptibility linked to germline BAP1 mutations; BAP1 tumor predisposition syndrome; TUMOR PREDISPOSITION SYNDROME 1; COMMON Syndrome. Identifiers: Orphanet 289539, MedGen C3280492, MONDO:0013692, OMIM 614327.

Allele frequency attached by ClinVar (database versions not stated): TOPMed below 0.00001.

Submissions (4):

Labcorp Genetics (formerly Invitae), Labcorp
Classification: Uncertain significance for BAP1-related tumor predisposition syndrome. Last evaluated: 2025-11-10. Review status: criteria provided, single submitter. Criteria: Invitae Variant Classification Sherloc (09022015). Collection method: clinical testing. Allele origin: germline.
Comment: This sequence change replaces leucine, which is neutral and non-polar, with valine, which is neutral and non-polar, at codon 259 of the BAP1 protein (p.Leu259Val). This variant is not present in population databases (gnomAD no frequency). This variant has not been reported in the literature in individuals affected with BAP1-related conditions. ClinVar contains an entry for this variant (Variation ID: 628342). Invitae Evidence Modeling of protein sequence and biophysical properties (such as structural, functional, and spatial information, amino acid conservation, physicochemical variation, residue mobility, and thermodynamic stability) has been performed for this missense variant. However, the output from this modeling did not meet the statistical confidence thresholds required to predict the impact of this variant on BAP1 protein function. In summary, the available evidence is currently insufficient to determine the role of this variant in disease. Therefore, it has been classified as a Variant of Uncertain Significance.

Ambry Genetics
Classification: Uncertain significance for Hereditary cancer-predisposing syndrome. Last evaluated: 2024-08-14. Review status: criteria provided, single submitter. Criteria: Ambry Variant Classification Scheme 2023. Collection method: clinical testing. Allele origin: germline.
Comment: The p.L259V variant (also known as c.775C>G), located in coding exon 9 of the BAP1 gene, results from a C to G substitution at nucleotide position 775. The leucine at codon 259 is replaced by valine, an amino acid with highly similar properties. This amino acid position is highly conserved in available vertebrate species. In addition, the in silico prediction for this alteration is inconclusive. Based on the available evidence, the clinical significance of this variant remains unclear.

Color Diagnostics, LLC DBA Color Health
Classification: Uncertain significance for Hereditary cancer-predisposing syndrome. Last evaluated: 2024-03-06. Review status: criteria provided, single submitter. Criteria: ACMG Guidelines, 2015. Collection method: clinical testing. Allele origin: germline.
Comment: This missense variant replaces leucine with valine at codon 259 of the BAP1 protein. Computational prediction is inconclusive regarding the impact of this variant on protein structure and function (internally defined REVEL score threshold 0.5 < inconclusive < 0.7, PMID: 27666373). To our knowledge, functional studies have not been reported for this variant. This variant has not been reported in individuals affected with hereditary cancer in the literature. This variant has not been identified in the general population by the Genome Aggregation Database (gnomAD). The available evidence is insufficient to determine the role of this variant in disease conclusively. Therefore, this variant is classified as a Variant of Uncertain Significance.

GeneDx
Classification: Uncertain significance. Last evaluated: 2023-11-20. Review status: criteria provided, single submitter. Criteria: GeneDx Variant Classification Process June 2021. Collection method: clinical testing. Allele origin: germline. Affected: yes.
Comment: Not observed at significant frequency in large population cohorts (gnomAD); In silico analysis supports that this missense variant does not alter protein structure/function; Has not been previously published as pathogenic or benign to our knowledge